The following is an entry in ClinVar:

NM_002691.4(POLD1):c.230C>G (p.Pro77Arg)

Gene: POLD1 (DNA polymerase delta 1, catalytic subunit; plus strand). Cytogenetic location: 19q13.33.
Variant type: single nucleotide variant.
Coding change: c.230C>G on transcript NM_002691.4 (MANE Select); coding-DNA position 230, C replaced by G.
Protein change: p.Pro77Arg; replaces proline 77 with arginine.
Molecular consequence: missense variant. On other transcripts: non-coding transcript variant (1).
Genome position (GRCh38, 1-based): chr19:50,399,398, C>G. VCF-style: chr19-50399398-C-G. GRCh37 (hg19) VCF-style: chr19-50902655-C-G.
Other names: c.230C>G, p.Pro77Arg (NM_001256849.1, NM_001308632.1); short protein forms P77R.
Identifiers: ClinVar variation 469249 (VCV000469249.9), dbSNP rs1555789213, ClinGen allele CA406970432.

ClinVar aggregate classification (germline): Uncertain significance. Review status: criteria provided, multiple submitters, no conflicts (2 of 4 stars). 3 submissions from 3 submitters: Uncertain significance (3). Last evaluated 2023-06-13.

Conditions:
POLD1-related polyposis and colorectal cancer syndrome (CRCS10). Also called: Colorectal cancer 10; COLORECTAL CANCER, SUSCEPTIBILITY TO, ON CHROMOSOME 19q; Colorectal cancer, susceptibility to, 10. Identifiers: Orphanet 220460, MedGen C2675481, MONDO:0012953, OMIM 612591.

Submissions (3):

GeneDx
Classification: Uncertain significance. Last evaluated: 2023-06-13. Review status: criteria provided, single submitter. Criteria: GeneDx Variant Classification Process June 2021. Collection method: clinical testing. Allele origin: germline. Affected: yes.
Comment: Not observed at significant frequency in large population cohorts (gnomAD); In silico analysis supports that this missense variant does not alter protein structure/function; Has not been previously published as pathogenic or benign to our knowledge

Mendelics
Classification: Uncertain significance. Last evaluated: 2022-05-04. Review status: criteria provided, single submitter. Criteria: Mendelics Assertion Criteria 2019. Collection method: clinical testing. Allele origin: germline.

Labcorp Genetics (formerly Invitae), Labcorp
Classification: Uncertain significance for POLD1-related polyposis and colorectal cancer syndrome. Last evaluated: 2017-03-27. Review status: criteria provided, single submitter. Criteria: Invitae Variant Classification Sherloc (09022015). Collection method: clinical testing. Allele origin: germline.
Comment: In summary, this variant is a novel missense change with uncertain impact on protein function. It has been classified as a Variant of Uncertain Significance. Algorithms developed to predict the effect of missense changes on protein structure and function do not agree on the potential impact of this missense change (SIFT: "Deleterious"; PolyPhen-2: "Benign"; Align-GVGD: "Class C0"). This variant is not present in population databases (ExAC no frequency) and has not been reported in the literature in individuals with a POLD1-related disease. This sequence change replaces proline with arginine at codon 77 of the POLD1 protein (p.Pro77Arg). The proline residue is weakly conserved and there is a moderate physicochemical difference between proline and arginine.